The following is an entry in ClinVar:

NM_001286577.2(C2CD3):c.6655G>A (p.Gly2219Ser)

Gene: C2CD3 (C2 domain containing 3 centriole elongation regulator; minus strand). Cytogenetic location: 11q13.4.
Variant type: single nucleotide variant.
Coding change: c.6655G>A on transcript NM_001286577.2 (MANE Select); coding-DNA position 6655, G replaced by A.
Protein change: p.Gly2219Ser; replaces glycine 2219 with serine.
Molecular consequence: missense variant.
Genome position (GRCh38, 1-based): chr11:74,033,505, C>T on the plus strand (G>A on the coding strand, the complement: C2CD3 is on the minus strand). VCF-style: chr11-74033505-C-T. GRCh37 (hg19) VCF-style: chr11-73744550-C-T.
Other names: short protein forms G2219S.
Identifiers: ClinVar variation 1504002 (VCV001504002.5), dbSNP rs746070169, ClinGen allele CA6181705.
Genomic context (GRCh38, chr11:74,033,505, plus strand): 5'-CCCTTCTGCTCTGGGAGGCTAGATTTAGCGGCAACTTCTTGAAGCTATCAGCAGAGTCAC[C>T]GAGCTCACTGGTGGCAGCTTCATTCTCAGCTGGGGCCTCTGACTTGGGCTCCTTGTTCTG-3'
Protein context (NP_001273506.1, residues 2209-2229): AENEAATSEL[Gly2219Ser]DSADSFKKLP

ClinVar aggregate classification (germline): Uncertain significance (1 of 4 stars; one submission).

Allele frequency attached by ClinVar (database versions not stated): gnomAD 0.00004; gnomAD exomes 0.00004 and 0.00006; TOPMed 0.00007; ExAC 0.00014.
gnomAD v4.1: 61 of 1,536,042 alleles (0.004%); highest among the groups gnomAD compares: Admixed American, 0.016%; no homozygotes.

Submission:

Labcorp Genetics (formerly Invitae), Labcorp
Classification: Uncertain significance. Last evaluated: 2023-10-17. Review status: criteria provided, single submitter. Criteria: Invitae Variant Classification Sherloc (09022015). Collection method: clinical testing. Allele origin: germline.
Comment: The C2CD3 gene has multiple clinically relevant transcripts. This variant occurs in alternate transcript NM_001286577.1, and corresponds to NM_015531.4:c.*1093G>A in the primary transcript. This sequence change replaces glycine with serine at codon 2219 of the C2CD3 protein (p.Gly2219Ser). This variant is present in population databases (rs746070169, gnomAD 0.02%). This variant has not been reported in the literature in individuals affected with C2CD3-related conditions. Experimental studies and prediction algorithms are not available or were not evaluated, and the functional significance of this variant is currently unknown. In summary, the available evidence is currently insufficient to determine the role of this variant in disease. Therefore, it has been classified as a Variant of Uncertain Significance.